The following is an entry in ClinVar:

NM_052876.4(NACC1):c.1444C>T (p.Leu482Phe)

Gene: NACC1 (nucleus accumbens associated 1; plus strand). Cytogenetic location: 19p13.13.
Variant type: single nucleotide variant.
Coding change: c.1444C>T on transcript NM_052876.4 (MANE Select); coding-DNA position 1444, C replaced by T.
Protein change: p.Leu482Phe; replaces leucine 482 with phenylalanine.
Molecular consequence: missense variant.
Genome position (GRCh38, 1-based): chr19:13,138,266, C>T. VCF-style: chr19-13138266-C-T. GRCh37 (hg19) VCF-style: chr19-13249080-C-T.
Other names: short protein forms L482F.
Identifiers: ClinVar variation 1915781 (VCV001915781.5), dbSNP rs2019734754, ClinGen allele CA404330124.
Genomic context (GRCh38, chr19:13,138,266, plus strand): 5'-GACATGTGCACCAACGCCCGCCGCGTCGTGCGCAAGAGCTGGATGCCCAAGGTCAAGGTG[C>T]TCAAGGCTGAGGATGACGCCTACACCACCTTCATCAGTGAAACGGGCAAGATCGAGCCGG-3'
Protein context (NP_443108.1, residues 472-492): RKSWMPKVKV[Leu482Phe]KAEDDAYTTF

ClinVar aggregate classification (germline): Uncertain significance (1 of 4 stars; one submission).

Allele frequency attached by ClinVar (database versions not stated): TOPMed below 0.00001; gnomAD exomes 0.00001.

Submission:

Labcorp Genetics (formerly Invitae), Labcorp
Classification: Uncertain significance. Last evaluated: 2023-10-03. Review status: criteria provided, single submitter. Criteria: Invitae Variant Classification Sherloc (09022015). Collection method: clinical testing. Allele origin: germline.
Comment: This sequence change replaces leucine, which is neutral and non-polar, with phenylalanine, which is neutral and non-polar, at codon 482 of the NACC1 protein (p.Leu482Phe). This variant is not present in population databases (gnomAD no frequency). This variant has not been reported in the literature in individuals affected with NACC1-related conditions. ClinVar contains an entry for this variant (Variation ID: 1915781). Advanced modeling of protein sequence and biophysical properties (such as structural, functional, and spatial information, amino acid conservation, physicochemical variation, residue mobility, and thermodynamic stability) performed at Invitae indicates that this missense variant is not expected to disrupt NACC1 protein function. In summary, the available evidence is currently insufficient to determine the role of this variant in disease. Therefore, it has been classified as a Variant of Uncertain Significance.